The following is an entry in ClinVar:

ClinVar aggregate classification (germline): Likely pathogenic (1 of 4 stars; one submission).

Conditions:
Hereditary cancer-predisposing syndrome. Also called: Hereditary Cancer Syndrome; Hereditary neoplastic syndrome; Neoplastic Syndromes, Hereditary; Tumor predisposition. Identifiers: Orphanet 140162, MedGen C0027672, MeSH D009386, MONDO:0015356.

Submission:

Ambry Genetics
Classification: Likely pathogenic for Hereditary cancer-predisposing syndrome. Last evaluated: 2020-10-23. Review status: criteria provided, single submitter. Criteria: Ambry Variant Classification Scheme 2023. Collection method: clinical testing. Allele origin: germline.
Comment: The c.552-1G>T intronic variant results from a G to T substitution one nucleotide upstream from coding exon 5 of the RAD50 gene. In silico splice site analysis predicts that this alteration will weaken the native splice acceptor site and will result in the creation or strengthening of a novel splice acceptor site. Alterations that disrupt the canonical splice site are expected to cause aberrant splicing, resulting in an abnormal protein or a transcript that is subject to nonsense-mediated mRNA decay. As such, this alteration is classified as likely pathogenic.

NM_005732.4(RAD50):c.552-1G>T

Gene: RAD50 (RAD50 double strand break repair protein; plus strand). Cytogenetic location: 5q31.1.
Variant type: single nucleotide variant.
Coding change: c.552-1G>T on transcript NM_005732.4 (MANE Select); the canonical splice acceptor site of the intron before coding-DNA position 552, G replaced by T.
Molecular consequence: splice acceptor variant.
Genome position (GRCh38, 1-based): chr5:132,579,861, G>T. VCF-style: chr5-132579861-G-T. GRCh37 (hg19) VCF-style: chr5-131915553-G-T.
Identifiers: ClinVar variation 1748087 (VCV001748087.2), dbSNP rs1236278956, ClinGen allele CA360935341.